The following is an entry in ClinVar:

NM_031924.8(RSPH3):c.-222C>T

Gene: RSPH3 (radial spoke head 3; minus strand). Cytogenetic location: 6q25.3.
Variant type: single nucleotide variant.
Coding change: c.-222C>T on transcript NM_031924.8 (MANE Select); 222 bases upstream of the start codon, C replaced by T.
Molecular consequence: 5 prime UTR variant. On other transcripts: missense variant (1), non-coding transcript variant (1).
Genome position (GRCh38, 1-based): chr6:158,999,772, G>A on the plus strand (C>T on the coding strand, the complement: RSPH3 is on the minus strand). VCF-style: chr6-158999772-G-A. GRCh37 (hg19) VCF-style: chr6-159420804-G-A.
Other names: c.205C>T, p.Pro69Ser (NM_001346418.1); short protein forms P69S.
Identifiers: ClinVar variation 542468 (VCV000542468.8), dbSNP rs752628369, ClinGen allele CA4076080.

ClinVar aggregate classification (germline): Uncertain significance (1 of 4 stars; one submission).

Conditions:
Primary ciliary dyskinesia 32. Also called: CILIARY DYSKINESIA, PRIMARY, 32, WITHOUT SITUS INVERSUS. Identifiers: Orphanet 244, MedGen C4225311, MONDO:0014657, OMIM 616481.

gnomAD v4.1: 3 of 1,611,632 alleles (0.00019%); highest among the groups gnomAD compares: Admixed American, 0.0017%; no homozygotes.

Submission:

Labcorp Genetics (formerly Invitae), Labcorp
Classification: Uncertain significance for Primary ciliary dyskinesia 32. Last evaluated: 2017-11-27. Review status: criteria provided, single submitter. Criteria: Invitae Variant Classification Sherloc (09022015). Collection method: clinical testing. Allele origin: germline.
Comment: In summary, the available evidence is currently insufficient to determine the role of this variant in disease. Therefore, it has been classified as a Variant of Uncertain Significance. Algorithms developed to predict the effect of missense changes on protein structure and function output the following: SIFT: "Tolerated"; PolyPhen-2: "Benign"; Align-GVGD: "Class C0". The serine amino acid residue is found in multiple mammalian species, suggesting that this missense change does not adversely affect protein function. These predictions have not been confirmed by published functional studies and their clinical significance is uncertain. This variant has not been reported in the literature in individuals with RSPH3-related disease. This variant is present in population databases (rs752628369, ExAC 0.002%). This sequence change replaces proline with serine at codon 69 of the RSPH3 protein (p.Pro69Ser). The proline residue is weakly conserved and there is a moderate physicochemical difference between proline and serine.